The following is an entry in ClinVar:

NM_001378452.1(ITPR1):c.4455G>C (p.Glu1485Asp)

Gene: ITPR1 (inositol 1,4,5-trisphosphate receptor type 1; plus strand). Cytogenetic location: 3p26.1.
Variant type: single nucleotide variant.
Coding change: c.4455G>C on transcript NM_001378452.1 (MANE Select); coding-DNA position 4455, G replaced by C.
Protein change: p.Glu1485Asp; replaces glutamic acid 1485 with aspartic acid.
Molecular consequence: missense variant.
Genome position (GRCh38, 1-based): chr3:4,699,860, G>C. VCF-style: chr3-4699860-G-C. GRCh37 (hg19) VCF-style: chr3-4741544-G-C.
Other names: c.4428G>C, p.Glu1476Asp (NM_001099952.4); c.4410G>C, p.Glu1470Asp (NM_001168272.2); c.4383G>C, p.Glu1461Asp (NM_002222.7); short protein forms E1461D, E1470D, E1476D, E1485D.
Identifiers: ClinVar variation 1699871 (VCV001699871.2), dbSNP rs753039414, ClinGen allele CA351633121.

ClinVar aggregate classification (germline): Uncertain significance (1 of 4 stars; one submission).

Submission:

GeneDx
Classification: Uncertain significance. Last evaluated: 2022-02-01. Review status: criteria provided, single submitter. Criteria: GeneDx Variant Classification Process June 2021. Collection method: clinical testing. Allele origin: germline. Affected: yes.
Comment: Not observed at significant frequency in large population cohorts (gnomAD); In silico analysis supports that this missense variant has a deleterious effect on protein structure/function; Has not been previously published as pathogenic or benign to our knowledge